The following is an entry in ClinVar:

ClinVar aggregate classification (germline): Uncertain significance (1 of 4 stars; one submission).

Conditions:
Familial thoracic aortic aneurysm and aortic dissection (TAAD). Also called: Thoracic aortic aneurysms and dissections. Identifiers: Orphanet 91387, MedGen C4707243, MONDO:0019625.

gnomAD v4.1: 1 of 1,614,176 alleles (0.000062%); highest among the groups gnomAD compares: Non-Finnish European, 0.000085%; no homozygotes.

Submission:

Ambry Genetics
Classification: Uncertain significance for Familial thoracic aortic aneurysm and aortic dissection. Last evaluated: 2024-10-14. Review status: criteria provided, single submitter. Criteria: Ambry Variant Classification Scheme 2023. Collection method: clinical testing. Allele origin: germline.
Comment: The p.H1304Y variant (also known as c.3910C>T), located in coding exon 20 of the MYLK gene, results from a C to T substitution at nucleotide position 3910. The histidine at codon 1304 is replaced by tyrosine, an amino acid with similar properties. This amino acid position is conserved. In addition, the in silico prediction for this alteration is inconclusive. Based on the available evidence, the clinical significance of this variant remains unclear.

NM_053025.4(MYLK):c.3910C>T (p.His1304Tyr)

Gene: MYLK (myosin light chain kinase; minus strand). Cytogenetic location: 3q21.1.
Variant type: single nucleotide variant.
Coding change: c.3910C>T on transcript NM_053025.4 (MANE Select); coding-DNA position 3910, C replaced by T.
Protein change: p.His1304Tyr; replaces histidine 1304 with tyrosine.
Molecular consequence: missense variant.
Genome position (GRCh38, 1-based): chr3:123,664,180, G>A on the plus strand (C>T on the coding strand, the complement: MYLK is on the minus strand). VCF-style: chr3-123664180-G-A. GRCh37 (hg19) VCF-style: chr3-123383027-G-A.
Other names: c.3382C>T, p.His1128Tyr (NM_001321309.2); c.3703C>T, p.His1235Tyr (NM_053026.4, NM_053028.4); c.3910C>T, p.His1304Tyr (NM_053027.4); short protein forms H1235Y, H1128Y, H1304Y.
Identifiers: ClinVar variation 3401109 (VCV003401109.1).
Genomic context (GRCh38, chr3:123,664,180, plus strand): 5'-TGACCTGGGCCTGCCTGCTGCCCAGCTTGTTCTCCACCAGCAGTGTGTAGCAGCCGCAGT[G>A]CTCCTGGCGCGCGGCCAGGATGGTGAGCTTGCTGCCATTCTCGCTGTTCTCCACCTTCAT-3'
Protein context (NP_444253.3, residues 1294-1314): KLTILAARQE[His1304Tyr]CGCYTLLVEN